The following is an entry in ClinVar:

NM_000204.5(CFI):c.533C>G (p.Ser178Cys)

Gene: CFI (complement factor I; minus strand). Cytogenetic location: 4q25.
Variant type: single nucleotide variant.
Coding change: c.533C>G on transcript NM_000204.5 (MANE Select); coding-DNA position 533, C replaced by G.
Protein change: p.Ser178Cys; replaces serine 178 with cysteine.
Molecular consequence: missense variant. On other transcripts: 5 prime UTR variant (1), non-coding transcript variant (3).
Genome position (GRCh38, 1-based): chr4:109,761,642, G>C on the plus strand (C>G on the coding strand, the complement: CFI is on the minus strand). VCF-style: chr4-109761642-G-C. GRCh37 (hg19) VCF-style: chr4-110682798-G-C.
Other names: c.533C>G, p.Ser178Cys (NM_001375278.1, NM_001375279.1, NM_001375280.1 and 10 more transcripts); c.-77C>G (NM_001375284.1); short protein forms S178C.
Identifiers: ClinVar variation 4760035 (VCV004760035.1).

ClinVar aggregate classification (germline): Uncertain significance (1 of 4 stars; one submission).

Submission:

Labcorp Genetics (formerly Invitae), Labcorp
Classification: Uncertain significance. Last evaluated: 2025-10-05. Review status: criteria provided, single submitter. Criteria: Invitae Variant Classification Sherloc (09022015). Collection method: clinical testing. Allele origin: germline.
Comment: This sequence change replaces serine, which is neutral and polar, with cysteine, which is neutral and slightly polar, at codon 178 of the CFI protein (p.Ser178Cys). This variant is not present in population databases (gnomAD no frequency). This variant has not been reported in the literature in individuals affected with CFI-related conditions. Invitae Evidence Modeling of protein sequence and biophysical properties (such as structural, functional, and spatial information, amino acid conservation, physicochemical variation, residue mobility, and thermodynamic stability) indicates that this missense variant is expected to disrupt CFI protein function with a positive predictive value of 80%. In summary, the available evidence is currently insufficient to determine the role of this variant in disease. Therefore, it has been classified as a Variant of Uncertain Significance.